The following is an entry in ClinVar:

NM_000053.4(ATP7B):c.3283del (p.Gln1095fs)

Gene: ATP7B (ATPase copper transporting beta; minus strand). Cytogenetic location: 13q14.3.
Variant type: Deletion.
Coding change: c.3283del on transcript NM_000053.4 (MANE Select); coding-DNA position 3283, one base deleted (C; older notation c.3283delC).
Protein change: p.Gln1095fs; shifts the reading frame from glutamine 1095.
Molecular consequence: frameshift variant.
Genome position (GRCh38, 1-based): chr13:51,942,515, G deleted on the plus strand (C on the coding strand, the reverse complement: ATP7B is on the minus strand); the first of 2 consecutive G bases (chr13:51,942,515-51,942,516); deleting either gives the same sequence. VCF-style (leftmost placement, unchanged base first): chr13-51942514-TG-T. GRCh37 (hg19) VCF-style: chr13-52516650-TG-T.
Other names: c.2662del, p.Gln888fs (NM_001005918.3); c.2950del, p.Gln984fs (NM_001243182.2); c.3049del, p.Gln1017fs (NM_001330578.2, NM_001406527.1, NM_001406528.1 and 1 more transcripts); c.3031del, p.Gln1011fs (NM_001330579.2, NM_001406531.1, NM_001406532.1); c.3283del, p.Gln1095fs (NM_001406511.1, NM_001406512.1, NM_001406526.1); c.3277del, p.Gln1093fs (NM_001406513.1); c.3250del, p.Gln1084fs (NM_001406514.1); c.3229del, p.Gln1077fs (NM_001406515.1, NM_001406516.1); and 20 more; short protein forms Q1011fs, Q1015fs, Q1017fs, Q1030fs, Q1034fs, Q1036fs, Q1047fs, Q1050fs.
Identifiers: ClinVar variation 2679811 (VCV002679811.6), dbSNP rs764108297, ClinGen allele CA6988746.

ClinVar aggregate classification (germline): Pathogenic/Likely pathogenic. Review status: criteria provided, multiple submitters, no conflicts (2 of 4 stars). 4 submissions from 4 submitters: Pathogenic (3); Likely pathogenic (1). Last evaluated 2025-02-27.

Conditions:
Wilson disease (WND). Also called: Wilson's disease. Identifiers: Orphanet 905, MedGen C0019202, MONDO:0010200, OMIM 277900. Disease mechanism: loss of function.

Submissions (4):

Natera, Inc.
Classification: Pathogenic for Wilson disease. Last evaluated: 2025-02-27. Review status: criteria provided, single submitter. Criteria: Natera Variant Classification Schema (03/2026). Collection method: clinical testing. Allele origin: germline.
Comment: The c.3283del variant in ATP7B is a frameshift variant predicted to shift the reading frame beginning at codon 1095 and leads to a stop codon 26 codons downstream. This variant is expected to result in nonsense mediated decay, truncation, or a dysfunctional protein product. This variant is rare in the general population with a frequency below the threshold expected for the associated phenotype(s). This variant has been observed in one or more individuals affected with the associated recessive disease, as either homozygous or compound heterozygous with a second variant (PMID: 22940187). Given the available evidence, this variant is classified as Pathogenic.

Fulgent Genetics
Classification: Likely pathogenic for Wilson disease. Last evaluated: 2024-06-19. Review status: criteria provided, single submitter. Criteria: ACMG Guidelines, 2015. Collection method: clinical testing. Allele origin: germline.

Labcorp Genetics (formerly Invitae), Labcorp
Classification: Pathogenic for Wilson disease. Last evaluated: 2023-09-10. Review status: criteria provided, single submitter. Criteria: Invitae Variant Classification Sherloc (09022015). Collection method: clinical testing. Allele origin: germline.
Comment: For these reasons, this variant has been classified as Pathogenic. This variant has not been reported in the literature in individuals affected with ATP7B-related conditions. This variant is present in population databases (rs764108297, gnomAD 0.008%). This sequence change creates a premature translational stop signal (p.Gln1095Argfs*26) in the ATP7B gene. It is expected to result in an absent or disrupted protein product. Loss-of-function variants in ATP7B are known to be pathogenic (PMID: 10441329, 16283883).

Baylor Genetics
Classification: Pathogenic for Wilson disease. Last evaluated: 2023-04-06. Review status: criteria provided, single submitter. Criteria: ACMG Guidelines, 2015. Collection method: clinical testing. Allele origin: unknown.

Literature cited by the submitters: PubMed 22940187 (cited by Natera, Inc.); PubMed 10441329 (cited by Labcorp Genetics (formerly Invitae), Labcorp); PubMed 16283883 (cited by Labcorp Genetics (formerly Invitae), Labcorp).